The following is an entry in ClinVar:

ClinVar aggregate classification (germline): Pathogenic (1 of 4 stars; one submission).

Conditions:
Peroxisome biogenesis disorder. Identifiers: Orphanet 79189, MedGen C1832200, MONDO:0019234. Disease mechanism: loss of function.

Submission:

Labcorp Genetics (formerly Invitae), Labcorp
Classification: Pathogenic for Peroxisome biogenesis disorder. Last evaluated: 2023-08-14. Review status: criteria provided, single submitter. Criteria: Invitae Variant Classification Sherloc (09022015). Collection method: clinical testing. Allele origin: germline.
Comment: This variant has not been reported in the literature in individuals affected with PEX16-related conditions. For these reasons, this variant has been classified as Pathogenic. This variant is not present in population databases (gnomAD no frequency). This sequence change creates a premature translational stop signal (p.Gln80*) in the PEX16 gene. It is expected to result in an absent or disrupted protein product. Loss-of-function variants in PEX16 are known to be pathogenic (PMID: 9837814, 11890679, 20647552, 20681997).

Literature cited by the submitters: PubMed 9837814; PubMed 11890679; PubMed 20647552; PubMed 20681997.

NM_004813.4(PEX16):c.238C>T (p.Gln80Ter)

Gene: PEX16 (peroxisomal biogenesis factor 16; minus strand). Cytogenetic location: 11p11.2.
Variant type: single nucleotide variant.
Coding change: c.238C>T on transcript NM_004813.4 (MANE Select); coding-DNA position 238, C replaced by T.
Protein change: p.Gln80Ter; replaces glutamine 80 with a stop codon.
Molecular consequence: nonsense.
Genome position (GRCh38, 1-based): chr11:45,915,824, G>A on the plus strand (C>T on the coding strand, the complement: PEX16 is on the minus strand). VCF-style: chr11-45915824-G-A. GRCh37 (hg19) VCF-style: chr11-45937375-G-A.
Other names: c.238C>T, p.Gln80Ter (NM_057174.3); short protein forms Q80*.
Identifiers: ClinVar variation 2860761 (VCV002860761.3), dbSNP rs1244471687, ClinGen allele CA380228888.